The following is an entry in ClinVar:

ClinVar aggregate classification (germline): Benign/Likely benign. Review status: criteria provided, multiple submitters, no conflicts (2 of 4 stars). 4 submissions from 4 submitters: Benign (2); Likely benign (1). 1 of the submissions does not count toward it. Last evaluated 2025-11-01.

Conditions:
CSDE1-related disorder. Also called: CSDE1-related condition.
Inborn genetic diseases. Identifiers: MedGen C0950123, MeSH D030342.

Allele frequency attached by ClinVar (database versions not stated): ESP Exome Variant Server 0.00154; 1000 Genomes Project 0.00160; 1000 Genomes Project 30x 0.00203; TOPMed 0.00211.
gnomAD v4.1: 3,787 of 1,611,220 alleles (0.24%); highest among the groups gnomAD compares: Admixed American, 0.38%; 7 homozygotes.

Submissions (18):

CeGaT Center for Human Genetics Tuebingen
Classification: Likely benign. Last evaluated: 2025-11-01. Review status: criteria provided, single submitter. Criteria: CeGaT Center For Human Genetics Tuebingen Variant Classification Criteria Version 2. Collection method: clinical testing. Allele origin: germline. Affected: yes. Observed: 1 variant allele.
Comment: CSDE1: BP4, BS2

Ambry Genetics
Classification: Benign for Inborn genetic diseases. Last evaluated: 2021-12-09. Review status: criteria provided, single submitter. Criteria: Ambry Variant Classification Scheme 2023. Collection method: clinical testing. Allele origin: germline.

Labcorp Genetics (formerly Invitae), Labcorp
Classification: Benign. Last evaluated: 2018-11-03. Review status: criteria provided, single submitter. Criteria: Invitae Variant Classification Sherloc (09022015). Collection method: clinical testing. Allele origin: germline.

PreventionGenetics, part of Exact Sciences
Classification: Likely benign for CSDE1-related condition. Last evaluated: 2019-08-29. Review status: no assertion criteria provided. Collection method: clinical testing. Allele origin: germline. Not counted in ClinVar's aggregate classification.
Comment: This variant is classified as likely benign based on ACMG/AMP sequence variant interpretation guidelines (Richards et al. 2015 PMID: 25741868, with internal and published modifications).

Dr. Peter K. Rogan Lab, Western University
No classification provided (evidence only). Condition: Clear cell carcinoma of kidney. Review status: no classification provided. Collection method: in vitro. Allele origin: not applicable. Functional consequence: retained intron. Not counted in ClinVar's aggregate classification.

Dr. Peter K. Rogan Lab, Western University
No classification provided (evidence only). Condition: Cervical cancer. Review status: no classification provided. Collection method: in vitro. Allele origin: not applicable. Functional consequence: retained intron. Not counted in ClinVar's aggregate classification.

Dr. Peter K. Rogan Lab, Western University
No classification provided (evidence only). Condition: Clear cell carcinoma of kidney. Review status: no classification provided. Collection method: in vitro. Allele origin: not applicable. Functional consequence: retained intron. Not counted in ClinVar's aggregate classification.

Dr. Peter K. Rogan Lab, Western University
No classification provided (evidence only). Condition: Clear cell carcinoma of kidney. Review status: no classification provided. Collection method: in vitro. Allele origin: not applicable. Functional consequence: retained intron. Not counted in ClinVar's aggregate classification.

Dr. Peter K. Rogan Lab, Western University
No classification provided (evidence only). Condition: Cervical cancer. Review status: no classification provided. Collection method: in vitro. Allele origin: not applicable. Functional consequence: retained intron. Not counted in ClinVar's aggregate classification.

Dr. Peter K. Rogan Lab, Western University
No classification provided (evidence only). Condition: Sarcoma. Review status: no classification provided. Collection method: in vitro. Allele origin: not applicable. Functional consequence: retained intron. Not counted in ClinVar's aggregate classification.

Dr. Peter K. Rogan Lab, Western University
No classification provided (evidence only). Condition: Lung cancer. Review status: no classification provided. Collection method: in vitro. Allele origin: not applicable. Functional consequence: retained intron. Not counted in ClinVar's aggregate classification.

Dr. Peter K. Rogan Lab, Western University
No classification provided (evidence only). Condition: Familial cancer of breast. Review status: no classification provided. Collection method: in vitro. Allele origin: not applicable. Functional consequence: retained intron. Not counted in ClinVar's aggregate classification.

Dr. Peter K. Rogan Lab, Western University
No classification provided (evidence only). Condition: Ovarian serous cystadenocarcinoma. Review status: no classification provided. Collection method: in vitro. Allele origin: not applicable. Functional consequence: retained intron. Not counted in ClinVar's aggregate classification.

Dr. Peter K. Rogan Lab, Western University
No classification provided (evidence only). Condition: Malignant tumor of esophagus. Review status: no classification provided. Collection method: in vitro. Allele origin: not applicable. Functional consequence: retained intron. Not counted in ClinVar's aggregate classification.

Dr. Peter K. Rogan Lab, Western University
No classification provided (evidence only). Condition: Colon adenocarcinoma. Review status: no classification provided. Collection method: in vitro. Allele origin: not applicable. Functional consequence: retained intron. Not counted in ClinVar's aggregate classification.

Dr. Peter K. Rogan Lab, Western University
No classification provided (evidence only). Condition: Uterine corpus endometrial carcinoma. Review status: no classification provided. Collection method: in vitro. Allele origin: not applicable. Functional consequence: retained intron. Not counted in ClinVar's aggregate classification.

Dr. Peter K. Rogan Lab, Western University
No classification provided (evidence only). Condition: Lymphoma. Review status: no classification provided. Collection method: in vitro. Allele origin: not applicable. Functional consequence: retained intron. Not counted in ClinVar's aggregate classification.

Dr. Peter K. Rogan Lab, Western University
No classification provided (evidence only). Condition: Ovarian cancer. Review status: no classification provided. Collection method: in vitro. Allele origin: not applicable. Functional consequence: retained intron. Not counted in ClinVar's aggregate classification.

NM_001007553.3(CSDE1):c.2350-5C>A

Gene: CSDE1 (cold shock domain containing E1; minus strand). Cytogenetic location: 1p13.2.
Variant type: single nucleotide variant.
Coding change: c.2350-5C>A on transcript NM_001007553.3 (MANE Select); 5 bases into the intron before coding-DNA position 2350, C replaced by A.
Molecular consequence: intron variant.
Genome position (GRCh38, 1-based): chr1:114,718,221, G>T on the plus strand (C>A on the coding strand, the complement: CSDE1 is on the minus strand). VCF-style: chr1-114718221-G-T. GRCh37 (hg19) VCF-style: chr1-115260842-G-T.
Other names: NC_000001.10:g.115260842G>T; c.2488-5C>A (NM_001242891.1, NM_001242891.2); c.2257-5C>A (NM_001242893.2, NM_007158.6); c.2350-5C>A (NM_001242892.2); c.2395-5C>A (NM_001130523.3).
Identifiers: ClinVar variation 721068 (VCV000721068.15), dbSNP rs189058114, ClinGen allele CA1020831.